The following is an entry in ClinVar:

ClinVar aggregate classification (germline): Uncertain significance (1 of 4 stars; one submission).

Conditions:
Developmental and epileptic encephalopathy 94 (DEE94). Also called: CHD2-Related Neurodevelopmental Disorders; Epileptic encephalopathy, childhood-onset. Identifiers: Orphanet 1942, Orphanet 2382, MedGen C3809278, MONDO:0014150, OMIM 615369.

Submission:

Neuberg Centre For Genomic Medicine, NCGM
Classification: Uncertain significance for Developmental and epileptic encephalopathy 94. Last evaluated: 2023-06-22. Review status: criteria provided, single submitter. Criteria: ACMG Guidelines, 2015. Collection method: clinical testing. Allele origin: germline. Inheritance: Autosomal dominant inheritance. Affected: yes.
Comment: The observed missense variant c.1823G>A(p.Ser608Asn) in the CHD2 gene has not been reported previously as a pathogenic variant nor as a benign variant, to our knowledge. This variant is absent in the gnomAD Exomes. The amino acid Ser at position 608 is changed to a Asn changing protein sequence and it might alter its composition and physico-chemical properties. Multiple lines of computational evidence (Polyphen - Possibly Damaging and MutationTaster - Disease causing) predict a damaging effect on protein structure and function for this variant. The residue is conserved by GERP++ and PhyloP across 100 vertebrates. For these reasons, this variant has been classified as Uncertain Significance.

NM_001271.4(CHD2):c.1823G>A (p.Ser608Asn)

Gene: CHD2 (chromodomain helicase DNA binding protein 2; plus strand). Cytogenetic location: 15q26.1.
Variant type: single nucleotide variant.
Coding change: c.1823G>A on transcript NM_001271.4 (MANE Select); coding-DNA position 1823, G replaced by A.
Protein change: p.Ser608Asn; replaces serine 608 with asparagine.
Molecular consequence: missense variant.
Genome position (GRCh38, 1-based): chr15:92,956,472, G>A. VCF-style: chr15-92956472-G-A. GRCh37 (hg19) VCF-style: chr15-93499702-G-A.
Other names: short protein forms S608N.
Identifiers: ClinVar variation 3377688 (VCV003377688.1).